The following is an entry in ClinVar:

NM_000138.5(FBN1):c.3337+1G>T

Gene: FBN1 (fibrillin 1; minus strand). Cytogenetic location: 15q21.1.
Variant type: single nucleotide variant.
Coding change: c.3337+1G>T on transcript NM_000138.5 (MANE Select); the canonical splice donor site of the intron after coding-DNA position 3337, G replaced by T.
Molecular consequence: splice donor variant.
Genome position (GRCh38, 1-based): chr15:48,488,112, C>A on the plus strand (G>T on the coding strand, the complement: FBN1 is on the minus strand). VCF-style: chr15-48488112-C-A. GRCh37 (hg19) VCF-style: chr15-48780309-C-A.
Other names: c.3337+1G>T (NM_001406716.1).
Identifiers: ClinVar variation 527150 (VCV000527150.9), dbSNP rs397515789, ClinGen allele CA392326962.

ClinVar aggregate classification (germline): Pathogenic (1 of 4 stars; one submission).

Conditions:
Familial thoracic aortic aneurysm and aortic dissection (TAAD). Also called: Thoracic aortic aneurysms and dissections. Identifiers: Orphanet 91387, MedGen C4707243, MONDO:0019625.
Marfan syndrome (MFS). Also called: Marfan syndrome type 1; Marfan syndrome, classic; Marfan's syndrome; FBN1-Related Marfan Syndrome; MARFAN SYNDROME, TYPE I. Identifiers: Orphanet 284963, Orphanet 558, MedGen C0024796, MONDO:0007947, OMIM 154700.

Submission:

Labcorp Genetics (formerly Invitae), Labcorp
Classification: Pathogenic for Marfan syndrome; Familial thoracic aortic aneurysm and aortic dissection. Last evaluated: 2017-09-29. Review status: criteria provided, single submitter. Criteria: Invitae Variant Classification Sherloc (09022015). Collection method: clinical testing. Allele origin: germline.
Comment: For these reasons, this variant has been classified as Pathogenic. Donor and acceptor splice site variants typically lead to a loss of protein function (PMID: 16199547), and loss-of-function variants in FBN1 are known to be pathogenic (PMID: 17657824, 19293843). A different variant affecting this nucleotide (c.3337+1G>C) has been determined to be pathogenic (PMID: 16220557). This suggests that this nucleotide is important for normal RNA splicing, and that other variants at this position may also be pathogenic. Algorithms developed to predict the effect of sequence changes on RNA splicing suggest that this variant may disrupt the consensus splice site, but this prediction has not been confirmed by published transcriptional studies. This variant has not been reported in the literature in individuals with FBN1-related disease. This variant is not present in population databases (ExAC no frequency). This sequence change affects a donor splice site in intron 27 of the FBN1 gene. It is expected to disrupt RNA splicing and likely results in an absent or disrupted protein product.

Literature cited by the submitters: PubMed 16199547; PubMed 17657824; PubMed 19293843; PubMed 16220557.